The following is an entry in ClinVar:

ClinVar aggregate classification (germline): Likely benign (1 of 4 stars; one submission).

Conditions:
AGTPBP1-related disorder. Also called: AGTPBP1-related condition.

gnomAD v4.1: 38 of 1,521,480 alleles (0.0025%); highest among the groups gnomAD compares: Admixed American, 0.0024%; no homozygotes.

Submissions (2):

PreventionGenetics, part of Exact Sciences
Classification: Likely benign for AGTPBP1-related condition. Last evaluated: 2025-04-28. Review status: criteria provided, single submitter. Criteria: ACMG Guidelines, 2015. Collection method: clinical testing. Allele origin: germline.
Comment: This variant is classified as likely benign based on ACMG/AMP sequence variant interpretation guidelines (Richards et al. 2015 PMID: 25741868, with internal and published modifications).

Dr. Peter K. Rogan Lab, Western University
No classification provided (evidence only). Condition: Sarcoma. Review status: no classification provided. Collection method: in vitro. Allele origin: not applicable. Functional consequence: retained intron. Not counted in ClinVar's aggregate classification.

NM_001330701.2(AGTPBP1):c.290-3T>G

Gene: AGTPBP1 (ATP/GTP binding carboxypeptidase 1; minus strand). Cytogenetic location: 9q21.33.
Variant type: single nucleotide variant.
Coding change: c.290-3T>G on transcript NM_001330701.2 (MANE Select); 3 bases into the intron before coding-DNA position 290, T replaced by G.
Molecular consequence: intron variant.
Genome position (GRCh38, 1-based): chr9:85,677,585, A>C on the plus strand (T>G on the coding strand, the complement: AGTPBP1 is on the minus strand). VCF-style: chr9-85677585-A-C. GRCh37 (hg19) VCF-style: chr9-88292500-A-C.
Other names: NC_000009.11:g.88292500A>C; c.446-3T>G (NM_001286717.1, NM_001286715.1); c.290-3T>G (NM_015239.3).
Identifiers: ClinVar variation 4357953 (VCV004357953.2).